The following is an entry in ClinVar:

ClinVar aggregate classification (germline): Uncertain significance. Review status: criteria provided, multiple submitters, no conflicts (2 of 4 stars). 2 submissions from 2 submitters: Uncertain significance (2). Last evaluated 2024-11-04.

Conditions:
Epidermolysis bullosa simplex 5B, with muscular dystrophy (EBS5B). Also called: EPIDERMOLYSIS BULLOSA SIMPLEX AND LIMB-GIRDLE MUSCULAR DYSTROPHY; Epidermolysis bullosa simplex with muscular dystrophy. Identifiers: Orphanet 257, MedGen C2931072, MONDO:0009181, OMIM 226670.
Epidermolysis bullosa simplex, Ogna type (EBS5A). Also called: EPIDERMOLYSIS BULLOSA SIMPLEX 5A, OGNA TYPE; Pidermolysis bullosa simplex 5A, Ogna type. Identifiers: Orphanet 79401, MedGen C0432317, MONDO:0007555, OMIM 131950.
Epidermolysis bullosa simplex with nail dystrophy (EBS5D). Identifiers: MedGen C4225309, MONDO:0014661, OMIM 616487.
Autosomal recessive limb-girdle muscular dystrophy type 2Q (LGMDR17). Also called: MUSCULAR DYSTROPHY, LIMB-GIRDLE, AUTOSOMAL RECESSIVE 17. Identifiers: Orphanet 254361, MedGen C3150989, MONDO:0013390, OMIM 613723.
Epidermolysis bullosa simplex 5C, with pyloric atresia (EBS5C). Also called: Epidermolysis bullosa simplex with pyloric atresia; PLEC-Related Epidermolysis Bullosa with Pyloric Atresia; PLEC1-Related Epidermolysis Bullosa with Pyloric Atresia. Identifiers: Orphanet 158684, MedGen C2677349, MONDO:0012807, OMIM 612138.

gnomAD v4.1: 41 of 1,613,022 alleles (0.0025%); highest among the groups gnomAD compares: Admixed American, 0.015%; no homozygotes.

Submissions (2):

Labcorp Genetics (formerly Invitae), Labcorp
Classification: Uncertain significance for Autosomal recessive limb-girdle muscular dystrophy type 2Q; Epidermolysis bullosa simplex, Ogna type; Epidermolysis bullosa simplex with nail dystrophy; Epidermolysis bullosa simplex 5C, with pyloric atresia; Epidermolysis bullosa simplex 5B, with muscular dystrophy. Last evaluated: 2024-11-04. Review status: criteria provided, single submitter. Criteria: Invitae Variant Classification Sherloc (09022015). Collection method: clinical testing. Allele origin: germline.
Comment: This sequence change replaces glutamic acid, which is acidic and polar, with lysine, which is basic and polar, at codon 1286 of the PLEC protein (p.Glu1286Lys). This variant is present in population databases (rs782555191, gnomAD 0.02%). This missense change has been observed in individual(s) with congenital myasthenic syndrome (PMID: 35670010). ClinVar contains an entry for this variant (Variation ID: 1410356). Invitae Evidence Modeling of protein sequence and biophysical properties (such as structural, functional, and spatial information, amino acid conservation, physicochemical variation, residue mobility, and thermodynamic stability) indicates that this missense variant is not expected to disrupt PLEC protein function with a negative predictive value of 80%. In summary, the available evidence is currently insufficient to determine the role of this variant in disease. Therefore, it has been classified as a Variant of Uncertain Significance.

Revvity Omics, Revvity
Classification: Uncertain significance. Last evaluated: 2019-07-25. Review status: criteria provided, single submitter. Criteria: ACMG Guidelines, 2015. Collection method: clinical testing. Allele origin: germline.

Literature cited by the submitters: PubMed 35670010 (cited by Labcorp Genetics (formerly Invitae), Labcorp).

NM_201384.3(PLEC):c.3775G>A (p.Glu1259Lys)

Gene: PLEC (plectin; minus strand). Cytogenetic location: 8q24.3.
Variant type: single nucleotide variant.
Coding change: c.3775G>A on transcript NM_201384.3 (MANE Select); coding-DNA position 3775, G replaced by A.
Protein change: p.Glu1259Lys; replaces glutamic acid 1259 with lysine.
Molecular consequence: missense variant.
Genome position (GRCh38, 1-based): chr8:143,927,317, C>T on the plus strand (G>A on the coding strand, the complement: PLEC is on the minus strand). VCF-style: chr8-143927317-C-T. GRCh37 (hg19) VCF-style: chr8-145001485-C-T.
Other names: c.3856G>A (NM_000445.3); c.3856G>A, p.Glu1286Lys (NM_000445.5); c.3733G>A, p.Glu1245Lys (NM_201378.4); c.3709G>A, p.Glu1237Lys (NM_201379.3); c.4186G>A, p.Glu1396Lys (NM_201380.4); c.3679G>A, p.Glu1227Lys (NM_201381.3); c.3775G>A, p.Glu1259Lys (NM_201382.4); c.3787G>A, p.Glu1263Lys (NM_201383.3); short protein forms E1227K, E1237K, E1396K, E1286K, E1245K, E1259K, E1263K.
Identifiers: ClinVar variation 1410356 (VCV001410356.7), dbSNP rs782555191, ClinGen allele CA4926935.
Genomic context (GRCh38, chr8:143,927,317, plus strand): 5'-TGGCGTTGATGTACTGTTTCGCAAACCTCTGGCACTCCTCGACCTTCTCGCCGTGGCGCT[C>T]GATCTCCTCCAGCAGGGCCTGGGTGATGGTGTGGTCAGAGCCGTGGCCGCAGGGCACGCC-3'
Protein context (NP_958786.1, residues 1249-1269): RQEQALLEEI[Glu1259Lys]RHGEKVEECQ